The following is an entry in ClinVar:

NM_015541.3(LRIG1):c.2589T>C (p.Pro863=)

Gene: LRIG1 (leucine rich repeats and immunoglobulin like domains 1; minus strand). Cytogenetic location: 3p14.1.
Variant type: single nucleotide variant.
Coding change: c.2589T>C on transcript NM_015541.3 (MANE Select); coding-DNA position 2589, T replaced by C.
Protein change: p.Pro863=; no amino-acid change (proline 863 retained).
Molecular consequence: synonymous variant.
Genome position (GRCh38, 1-based): chr3:66,382,301, A>G on the plus strand (T>C on the coding strand, the complement: LRIG1 is on the minus strand). VCF-style: chr3-66382301-A-G. GRCh37 (hg19) VCF-style: chr3-66432725-A-G.
Other names: c.2514T>C, p.Pro838= (NM_001377344.1); c.1809T>C, p.Pro603= (NM_001377345.1, NM_001377346.1); c.1587T>C, p.Pro529= (NM_001377347.1); c.1560T>C, p.Pro520= (NM_001377348.1); c.1305T>C, p.Pro435= (NM_001377349.1).
Identifiers: ClinVar variation 3055536 (VCV003055536.2), dbSNP rs34141350, ClinGen allele CA2484295.
Genomic context (GRCh38, chr3:66,382,301, plus strand): 5'-AGAGCTCTGCTTCACAGTTACTGAGGCCTTACCATTGCTCTCAATGTGCCCATTGGCCTG[A>G]GGGCCACCCTCGGTCCTGACCACGGTTTCTTGTCGGTCAGAAAGGGTCCCCTGAGAAGAG-3'
Protein context (NP_056356.2, residues 853-873): QETVVRTEGG[Pro863=]QANGHIESNG

ClinVar aggregate classification (germline): Likely benign (0 of 4 stars; one submission).

Conditions:
LRIG1-related disorder. Also called: LRIG1-related condition.

Allele frequency attached by ClinVar (database versions not stated): gnomAD exomes 0.00008; ExAC 0.00025; 1000 Genomes Project 30x 0.00062; gnomAD 0.00074; TOPMed 0.00079; 1000 Genomes Project 0.00080; ESP Exome Variant Server 0.00115.
gnomAD v4.1: 226 of 1,614,124 alleles (0.014%); highest among the groups gnomAD compares: African/African-American, 0.27%; no homozygotes.

Submission:

PreventionGenetics, part of Exact Sciences
Classification: Likely benign for LRIG1-related condition. Last evaluated: 2019-04-29. Review status: no assertion criteria provided. Collection method: clinical testing. Allele origin: germline.
Comment: This variant is classified as likely benign based on ACMG/AMP sequence variant interpretation guidelines (Richards et al. 2015 PMID: 25741868, with internal and published modifications).